The following is an entry in ClinVar:

NM_001267550.2(TTN):c.1387G>A (p.Ala463Thr)

Gene: TTN (titin; minus strand). Cytogenetic location: 2q31.2.
Variant type: single nucleotide variant.
Coding change: c.1387G>A on transcript NM_001267550.2 (MANE Select); coding-DNA position 1387, G replaced by A.
Protein change: p.Ala463Thr; replaces alanine 463 with threonine.
Molecular consequence: missense variant.
Genome position (GRCh38, 1-based): chr2:178,794,410, C>T on the plus strand (G>A on the coding strand, the complement: TTN is on the minus strand). VCF-style: chr2-178794410-C-T. GRCh37 (hg19) VCF-style: chr2-179659137-C-T.
Other names: p.Ala463Thr; c.1387G>A, p.Ala463Thr (NM_001256850.1, NM_003319.4, NM_133378.4 and 3 more transcripts); short protein forms A463T.
Identifiers: ClinVar variation 3379394 (VCV003379394.1).

ClinVar aggregate classification (germline): Uncertain significance (1 of 4 stars; one submission).

gnomAD v4.1: 1 of 1,614,168 alleles (0.000062%); highest among the groups gnomAD compares: African/African-American, 0.0013%; no homozygotes.

Submission:

Mayo Clinic Laboratories, Mayo Clinic
Classification: Uncertain significance. Last evaluated: 2024-06-20. Review status: criteria provided, single submitter. Criteria: ACMG Guidelines, 2015. Collection method: clinical testing. Allele origin: germline. Observed: 1 variant allele.
Comment: BP4, PM2